The following is an entry in ClinVar:

NM_006565.4(CTCF):c.782-2A>T

Gene: CTCF (CCCTC-binding factor; plus strand). Cytogenetic location: 16q22.1.
Variant type: single nucleotide variant.
Coding change: c.782-2A>T on transcript NM_006565.4 (MANE Select); the canonical splice acceptor site of the intron before coding-DNA position 782, A replaced by T.
Molecular consequence: splice acceptor variant. On other transcripts: intron variant (1).
Genome position (GRCh38, 1-based): chr16:67,611,949, A>T. VCF-style: chr16-67611949-A-T. GRCh37 (hg19) VCF-style: chr16-67645852-A-T.
Other names: c.782-2A>T (NM_001438969.1, NM_001438968.1, NM_001363916.2 and 1 more transcripts); c.-32-4796A>T (NM_001191022.2).
Identifiers: ClinVar variation 3378409 (VCV003378409.4).

ClinVar aggregate classification (germline): Pathogenic. Review status: criteria provided, multiple submitters, no conflicts (2 of 4 stars). 3 submissions from 3 submitters: Pathogenic (3). Last evaluated 2025-03-11.

Conditions:
CTCF-related neurodevelopmental disorder. Also called: Intellectual disability-feeding difficulties-developmental delay-microcephaly syndrome; INTELLECTUAL DEVELOPMENTAL DISORDER, AUTOSOMAL DOMINANT 21. Identifiers: Orphanet 363611, MedGen C3809686, MONDO:0014213, OMIM 615502.

Submissions (3):

Dasa
Classification: Pathogenic. Last evaluated: 2025-03-11. Review status: criteria provided, single submitter. Criteria: DASA Assertion Criteria. Collection method: clinical testing. Allele origin: germline.
Comment: NM_006565.4(CTCF):c.782-2A>T introduces a premature termination codon predicted to result in loss of normal protein function. Loss-of-function is an established mechanism of disease for this gene. This variant results in the same amino acid change as a previously established pathogenic variant. Multiple computational predictions support a deleterious effect on the gene or gene product. The variant is present at low frequency in population datasets. Based on the available data, this variant is classified as pathogenic.

Molecular Genetics Laboratory, Motol Hospital
Classification: Pathogenic for CTCF-related neurodevelopmental disorder. Last evaluated: 2024-11-20. Review status: criteria provided, single submitter. Criteria: ACMG Guidelines, 2015. Collection method: clinical testing. Allele origin: maternal. Affected: yes. Observed: 3 variant alleles.
Comment: This variant was detected in multiple affected family members (two brothers and their mother) with variable phenotypic abnormalities, including intestinal abnormalities, kidney malfunction, visual abnormalities, intellectual impairment and behavioral abnormalities. The relevant medical/scientific publications report on families with transmission of causative loss-of-function CTCF gene variants, including variants affecting the canonical sequence of splice donor or acceptor sites. They provide an evidence of incomplete penetrance and variable expressivity of related phenotypic features (PMID:23746550;31239556). The loss-of-function variants affecting the CTCF gene are well documented as a molecular cause of "autosomal dominant intellectual developmental disorder-21" (OMIM:615502). To conclude, the variant is classified as pathogenic (ACMG PVS1, PM2, PP1).

Clinical Genetics Service, Universitary Hospital 12 de Octubre
Classification: Pathogenic for CTCF-related neurodevelopmental disorder. Review status: criteria provided, single submitter. Criteria: ACMG Guidelines, 2015. Collection method: clinical testing. Allele origin: de novo. Affected: yes.

Literature cited by the submitters: PubMed 23746550 (cited by Molecular Genetics Laboratory, Motol Hospital); PubMed 31239556 (cited by Molecular Genetics Laboratory, Motol Hospital).